The following is an entry in ClinVar:

ClinVar aggregate classification (germline): Uncertain significance (1 of 4 stars; one submission).

Conditions:
Oculofaciocardiodental syndrome (MCOPS2). Identifiers: Orphanet 2712, MedGen C1846265, MONDO:0010261, OMIM 300166.

Allele frequency attached by ClinVar (database versions not stated): gnomAD 0.00001.
gnomAD v4.1: 1 of 1,210,585 alleles (0.000083%); highest among the groups gnomAD compares: Admixed American, 0.0022%; no homozygotes.

Submission:

Labcorp Genetics (formerly Invitae), Labcorp
Classification: Uncertain significance for Oculofaciocardiodental syndrome. Last evaluated: 2024-10-01. Review status: criteria provided, single submitter. Criteria: Invitae Variant Classification Sherloc (09022015). Collection method: clinical testing. Allele origin: germline.
Comment: This sequence change replaces aspartic acid, which is acidic and polar, with glutamic acid, which is acidic and polar, at codon 1097 of the BCOR protein (p.Asp1097Glu). This variant is not present in population databases (gnomAD no frequency). This variant has not been reported in the literature in individuals affected with BCOR-related conditions. ClinVar contains an entry for this variant (Variation ID: 1439763). An algorithm developed to predict the effect of missense changes on protein structure and function outputs the following: PolyPhen-2: "Benign". The glutamic acid amino acid residue is found in multiple mammalian species, which suggests that this missense change does not adversely affect protein function. In summary, the available evidence is currently insufficient to determine the role of this variant in disease. Therefore, it has been classified as a Variant of Uncertain Significance.

NM_001123385.2(BCOR):c.3291C>A (p.Asp1097Glu)

Gene: BCOR (BCL6 corepressor; minus strand). Cytogenetic location: Xp11.4.
Variant type: single nucleotide variant.
Coding change: c.3291C>A on transcript NM_001123385.2 (MANE Select); coding-DNA position 3291, C replaced by A.
Protein change: p.Asp1097Glu; replaces aspartic acid 1097 with glutamic acid.
Molecular consequence: missense variant.
Genome position (GRCh38, 1-based): chrX:40,064,547, G>T on the plus strand (C>A on the coding strand, the complement: BCOR is on the minus strand). VCF-style: chrX-40064547-G-T. GRCh37 (hg19) VCF-style: chrX-39923800-G-T.
Other names: c.3291C>A, p.Asp1097Glu (NM_001123383.2, NM_017745.6); c.3237C>A, p.Asp1079Glu (NM_001123384.2); short protein forms D1079E, D1097E.
Identifiers: ClinVar variation 1439763 (VCV001439763.6), dbSNP rs1935101181, ClinGen allele CA412739192.